The following is an entry in ClinVar:

ClinVar aggregate classification (germline): Uncertain significance (1 of 4 stars; one submission).

Conditions:
Juvenile polyposis syndrome (JPS). Identifiers: Orphanet 2929, MedGen C0345893, MONDO:0017380, OMIM 174900.

Submission:

Labcorp Genetics (formerly Invitae), Labcorp
Classification: Uncertain significance for Juvenile polyposis syndrome. Last evaluated: 2020-03-04. Review status: criteria provided, single submitter. Criteria: Invitae Variant Classification Sherloc (09022015). Collection method: clinical testing. Allele origin: germline.
Comment: In summary, the available evidence is currently insufficient to determine the role of this variant in disease. Therefore, it has been classified as a Variant of Uncertain Significance. Algorithms developed to predict the effect of missense changes on protein structure and function are either unavailable or do not agree on the potential impact of this missense change (SIFT: "Deleterious"; PolyPhen-2: "Possibly Damaging"; Align-GVGD: "Class C15"). This variant has not been reported in the literature in individuals with BMPR1A-related conditions. This variant is not present in population databases (ExAC no frequency). This sequence change replaces isoleucine with phenylalanine at codon 368 of the BMPR1A protein (p.Ile368Phe). The isoleucine residue is highly conserved and there is a small physicochemical difference between isoleucine and phenylalanine.

NM_004329.3(BMPR1A):c.1102A>T (p.Ile368Phe)

Gene: BMPR1A (bone morphogenetic protein receptor type 1A; plus strand). Cytogenetic location: 10q23.2.
Variant type: single nucleotide variant.
Coding change: c.1102A>T on transcript NM_004329.3 (MANE Select); coding-DNA position 1102, A replaced by T.
Protein change: p.Ile368Phe; replaces isoleucine 368 with phenylalanine.
Molecular consequence: missense variant.
Genome position (GRCh38, 1-based): chr10:86,919,405, A>T. VCF-style: chr10-86919405-A-T. GRCh37 (hg19) VCF-style: chr10-88679162-A-T.
Other names: short protein forms I368F.
Identifiers: ClinVar variation 1061141 (VCV001061141.9), dbSNP rs1589291789, ClinGen allele CA377460884.